The following is an entry in ClinVar:

ClinVar aggregate classification (germline): Uncertain significance. Review status: criteria provided, multiple submitters, no conflicts (2 of 4 stars). 2 submissions from 2 submitters: Uncertain significance (2). Last evaluated 2026-08-31.

Conditions:
Cardiovascular phenotype. Identifiers: MedGen CN230736.

Allele frequency attached by ClinVar (database versions not stated): gnomAD 0.00006.

Submissions (2):

Ambry Genetics
Classification: Uncertain significance for Cardiovascular phenotype. Last evaluated: 2026-08-31. Review status: criteria provided, single submitter. Criteria: Ambry Variant Classification Scheme 2023. Collection method: clinical testing. Allele origin: germline.
Comment: The p.G658V variant (also known as c.1973G>T), located in coding exon 14 of the ABCA1 gene, results from a G to T substitution at nucleotide position 1973. The glycine at codon 658 is replaced by valine, an amino acid with dissimilar properties. This amino acid position is well conserved in available vertebrate species. In addition, the in silico prediction for this alteration is inconclusive. Based on the available evidence, the clinical significance of this variant remains unclear.

Labcorp Genetics (formerly Invitae), Labcorp
Classification: Uncertain significance. Last evaluated: 2021-10-26. Review status: criteria provided, single submitter. Criteria: Invitae Variant Classification Sherloc (09022015). Collection method: clinical testing. Allele origin: germline.
Comment: This sequence change replaces glycine with valine at codon 658 of the ABCA1 protein (p.Gly658Val). The glycine residue is moderately conserved and there is a moderate physicochemical difference between glycine and valine. This variant is present in population databases (rs758163019, ExAC 0.02%). This variant has not been reported in the literature in individuals affected with ABCA1-related conditions. Advanced modeling of protein sequence and biophysical properties (such as structural, functional, and spatial information, amino acid conservation, physicochemical variation, residue mobility, and thermodynamic stability) performed at Invitae indicates that this missense variant is not expected to disrupt ABCA1 protein function. Algorithms developed to predict the effect of sequence changes on RNA splicing suggest that this variant may create or strengthen a splice site. In summary, the available evidence is currently insufficient to determine the role of this variant in disease. Therefore, it has been classified as a Variant of Uncertain Significance.

NM_005502.4(ABCA1):c.1973G>T (p.Gly658Val)

Gene: ABCA1 (ATP binding cassette subfamily A member 1; minus strand). Cytogenetic location: 9q31.1.
Variant type: single nucleotide variant.
Coding change: c.1973G>T on transcript NM_005502.4 (MANE Select); coding-DNA position 1973, G replaced by T.
Protein change: p.Gly658Val; replaces glycine 658 with valine.
Molecular consequence: missense variant.
Genome position (GRCh38, 1-based): chr9:104,829,058, C>A on the plus strand (G>T on the coding strand, the complement: ABCA1 is on the minus strand). VCF-style: chr9-104829058-C-A. GRCh37 (hg19) VCF-style: chr9-107591339-C-A.
Other names: c.1973G>T (NM_005502.3); short protein forms G658V.
Identifiers: ClinVar variation 1397242 (VCV001397242.4), dbSNP rs758163019, ClinGen allele CA5168853.
Genomic context (GRCh38, chr9:104,829,058, plus strand): 5'-TTGTCCAGGCCCATGATCCGCATGGTCTCTTTCAGCCGTGCCTCCTTCTCATACACGATG[C>A]CCTTGATGATCACAGCCACTGAGTAAATCCAGGCCAGCGTCATGAAGAGGGGCATTGACC-3'
Protein context (NP_005493.2, residues 648-668): WIYSVAVIIK[Gly658Val]IVYEKEARLK